The following is an entry in ClinVar:

ClinVar aggregate classification (germline): Uncertain significance (1 of 4 stars; one submission).

Conditions:
Congenital myasthenic syndrome 8. Also called: MYASTHENIC SYNDROME, CONGENITAL, DUE TO AGRIN DEFICIENCY; Myasthenic syndrome, congenital, 8, with pre- and postsynaptic defects. Identifiers: Orphanet 590, MedGen C3808739, MONDO:0014052, OMIM 615120.

Allele frequency attached by ClinVar (database versions not stated): gnomAD exomes below 0.00001; gnomAD 0.00001.
gnomAD v4.1: 2 of 1,529,004 alleles (0.00013%); highest among the groups gnomAD compares: Non-Finnish European, 0.00017%; no homozygotes.

Submission:

Labcorp Genetics (formerly Invitae), Labcorp
Classification: Uncertain significance for Congenital myasthenic syndrome 8. Last evaluated: 2023-10-03. Review status: criteria provided, single submitter. Criteria: Invitae Variant Classification Sherloc (09022015). Collection method: clinical testing. Allele origin: germline.
Comment: This sequence change replaces alanine, which is neutral and non-polar, with threonine, which is neutral and polar, at codon 302 of the AGRN protein (p.Ala302Thr). This variant is present in population databases (no rsID available, gnomAD 0.007%). This variant has not been reported in the literature in individuals affected with AGRN-related conditions. ClinVar contains an entry for this variant (Variation ID: 541167). An algorithm developed to predict the effect of missense changes on protein structure and function (PolyPhen-2) suggests that this variant is likely to be disruptive. In summary, the available evidence is currently insufficient to determine the role of this variant in disease. Therefore, it has been classified as a Variant of Uncertain Significance.

NM_198576.4(AGRN):c.904G>A (p.Ala302Thr)

Gene: AGRN (agrin; plus strand). Cytogenetic location: 1p36.33.
Variant type: single nucleotide variant.
Coding change: c.904G>A on transcript NM_198576.4 (MANE Select); coding-DNA position 904, G replaced by A.
Protein change: p.Ala302Thr; replaces alanine 302 with threonine.
Molecular consequence: missense variant.
Genome position (GRCh38, 1-based): chr1:1,041,349, G>A. VCF-style: chr1-1041349-G-A. GRCh37 (hg19) VCF-style: chr1-976729-G-A.
Other names: c.904G>A, p.Ala302Thr (NM_001305275.2); c.589G>A, p.Ala197Thr (NM_001364727.2); short protein forms A302T, A197T.
Identifiers: ClinVar variation 541167 (VCV000541167.8), dbSNP rs1318084676, ClinGen allele CA337824913.